The following is an entry in ClinVar:

ClinVar aggregate classification (germline): Uncertain significance (1 of 4 stars; one submission).

Conditions:
Cataract 21 multiple types. Also called: CATARACT 21, MULTIPLE TYPES, WITH OR WITHOUT MICROCORNEA; CATARACT 21, CERULEAN, WITH OR WITHOUT MICROCORNEA; CATARACT 21, MULTIPLE TYPES, WITH MICROCORNEA; Cataract, congenital, cerulean type, 4. Identifiers: Orphanet 91492, MedGen C1857768, MONDO:0012437, OMIM 610202.
Ayme-Gripp syndrome. Also called: Aymé-Gripp Syndrome. Identifiers: MedGen C1832812, MONDO:0010992, OMIM 601088.

Submission:

Labcorp Genetics (formerly Invitae), Labcorp
Classification: Uncertain significance for Cataract 21 multiple types; Ayme-Gripp syndrome. Last evaluated: 2019-07-14. Review status: criteria provided, single submitter. Criteria: Invitae Variant Classification Sherloc (09022015). Collection method: clinical testing. Allele origin: germline.
Comment: In summary, the available evidence is currently insufficient to determine the role of this variant in disease. Therefore, it has been classified as a Variant of Uncertain Significance. This sequence change replaces alanine with aspartic acid at codon 302 of the MAF protein (p.Ala302Asp). The alanine residue is highly conserved and there is a moderate physicochemical difference between alanine and aspartic acid. This variant is not present in population databases (ExAC no frequency). Algorithms developed to predict the effect of missense changes on protein structure and function (SIFT, PolyPhen-2, Align-GVGD) all suggest that this variant is likely to be disruptive, but these predictions have not been confirmed by published functional studies and their clinical significance is uncertain. This variant disrupts the p.Ala302 amino acid residue in MAF. Other variant(s) that disrupt this residue have been determined to be pathogenic (Invitae). This suggests that this residue is clinically significant, and that variants that disrupt this residue are likely to be disease-causing.

NM_005360.5(MAF):c.905C>A (p.Ala302Asp)

Gene: MAF (MAF bZIP transcription factor; minus strand). Cytogenetic location: 16q23.2.
Variant type: single nucleotide variant.
Coding change: c.905C>A on transcript NM_005360.5 (MANE Select); coding-DNA position 905, C replaced by A.
Protein change: p.Ala302Asp; replaces alanine 302 with aspartic acid.
Molecular consequence: missense variant.
Genome position (GRCh38, 1-based): chr16:79,598,998, G>T on the plus strand (C>A on the coding strand, the complement: MAF is on the minus strand). VCF-style: chr16-79598998-G-T. GRCh37 (hg19) VCF-style: chr16-79632895-G-T.
Other names: c.905C>A, p.Ala302Asp (NM_001031804.3); short protein forms A302D.
Identifiers: ClinVar variation 957132 (VCV000957132.10), dbSNP rs1481963503, ClinGen allele CA396534982.